The following is an entry in ClinVar:

NM_000070.3(CAPN3):c.1841A>G (p.Glu614Gly)

Gene: CAPN3 (calpain 3; plus strand). Cytogenetic location: 15q15.1.
Variant type: single nucleotide variant.
Coding change: c.1841A>G on transcript NM_000070.3 (MANE Select); coding-DNA position 1841, A replaced by G.
Protein change: p.Glu614Gly; replaces glutamic acid 614 with glycine.
Molecular consequence: missense variant. On other transcripts: intron variant (3).
Genome position (GRCh38, 1-based): chr15:42,408,251, A>G. VCF-style: chr15-42408251-A-G. GRCh37 (hg19) VCF-style: chr15-42700449-A-G.
Other names: c.1823A>G, p.Glu608Gly (NM_024344.2); c.305A>G, p.Glu102Gly (NM_173088.2); c.1639-1052A>G (NM_173087.2); c.-81-1052A>G (NM_173090.2, NM_173089.2); short protein forms E614G, E102G, E608G.
Identifiers: ClinVar variation 284814 (VCV000284814.15), dbSNP rs111525622, ClinGen allele CA7511572.

ClinVar aggregate classification (germline): Conflicting classifications of pathogenicity. Review status: criteria provided, conflicting classifications (1 of 4 stars). 2 submissions from 2 submitters: Likely pathogenic (1); Uncertain significance (1). Last evaluated 2025-06-02.

Conditions:
Autosomal recessive limb-girdle muscular dystrophy type 2A (LGMDR1). Also called: Calpainopathy; MUSCULAR DYSTROPHY, PELVOFEMORAL; Limb-girdle muscular dystrophy, type 2A; Muscular dystrophy, limb-girdle, type 2A, Amish; LEYDEN-MOEBIUS MUSCULAR DYSTROPHY. Identifiers: Orphanet 267, MedGen C1869123, MONDO:0009675, OMIM 253600. Disease mechanism: loss of function.

Allele frequency attached by ClinVar (database versions not stated): gnomAD exomes below 0.00001 and 0.00001; TOPMed below 0.00001; ExAC 0.00001; gnomAD 0.00001.
gnomAD v4.1: 13 of 1,613,764 alleles (0.00081%); highest among the groups gnomAD compares: African/African-American, 0.0013%; no homozygotes.

Submissions (2):

Labcorp Genetics (formerly Invitae), Labcorp
Classification: Likely pathogenic for Autosomal recessive limb-girdle muscular dystrophy type 2A. Last evaluated: 2025-06-02. Review status: criteria provided, single submitter. Criteria: Invitae Variant Classification Sherloc (09022015). Collection method: clinical testing. Allele origin: germline.
Comment: This sequence change replaces glutamic acid, which is acidic and polar, with glycine, which is neutral and non-polar, at codon 614 of the CAPN3 protein (p.Glu614Gly). This variant is present in population databases (rs111525622, gnomAD 0.0009%). This missense change has been observed in individual(s) with clinical features of autosomal recessive CAPN3-related conditions (PMID: 19556129; internal data). ClinVar contains an entry for this variant (Variation ID: 284814). Invitae Evidence Modeling of protein sequence and biophysical properties (such as structural, functional, and spatial information, amino acid conservation, physicochemical variation, residue mobility, and thermodynamic stability) indicates that this missense variant is expected to disrupt CAPN3 protein function with a positive predictive value of 80%. Algorithms developed to predict the effect of sequence changes on RNA splicing suggest that this variant may disrupt the consensus splice site. In summary, the currently available evidence indicates that the variant is pathogenic, but additional data are needed to prove that conclusively. Therefore, this variant has been classified as Likely Pathogenic.

Eurofins Ntd Llc (ga)
Classification: Uncertain significance. Last evaluated: 2015-11-16. Review status: criteria provided, single submitter. Criteria: EGL Classification Definitions 2015. Collection method: clinical testing. Allele origin: germline. Observed: 1 variant allele, 1 heterozygote.

Literature cited by the submitters: PubMed 19556129 (cited by Labcorp Genetics (formerly Invitae), Labcorp).